The following is an entry in ClinVar:

NM_005148.4(UNC119):c.452T>C (p.Val151Ala)

Gene: UNC119 (unc-119 lipid binding chaperone; minus strand). Cytogenetic location: 17q11.2.
Variant type: single nucleotide variant.
Coding change: c.452T>C on transcript NM_005148.4 (MANE Select); coding-DNA position 452, T replaced by C.
Protein change: p.Val151Ala; replaces valine 151 with alanine.
Molecular consequence: missense variant.
Genome position (GRCh38, 1-based): chr17:28,547,835, A>G on the plus strand (T>C on the coding strand, the complement: UNC119 is on the minus strand). VCF-style: chr17-28547835-A-G. GRCh37 (hg19) VCF-style: chr17-26874853-A-G.
Other names: c.167T>C, p.Val56Ala (NM_001330166.2); c.452T>C, p.Val151Ala (NM_054035.2); short protein forms V56A, V151A.
Identifiers: ClinVar variation 1485267 (VCV001485267.6), dbSNP rs201561039, ClinGen allele CA8459773.

ClinVar aggregate classification (germline): Uncertain significance (1 of 4 stars; one submission).

Allele frequency attached by ClinVar (database versions not stated): gnomAD 0.00001; gnomAD exomes 0.00001 and 0.00002; ExAC 0.00002; 1000 Genomes Project 0.00020; 1000 Genomes Project 30x 0.00031.
gnomAD v4.1: 25 of 1,614,134 alleles (0.0015%); highest among the groups gnomAD compares: East Asian, 0.0067%; no homozygotes.

Submission:

Labcorp Genetics (formerly Invitae), Labcorp
Classification: Uncertain significance. Last evaluated: 2021-11-09. Review status: criteria provided, single submitter. Criteria: Invitae Variant Classification Sherloc (09022015). Collection method: clinical testing. Allele origin: germline.
Comment: This sequence change replaces valine, which is neutral and non-polar, with alanine, which is neutral and non-polar, at codon 151 of the UNC119 protein (p.Val151Ala). This variant is present in population databases (rs201561039, gnomAD 0.005%). This variant has not been reported in the literature in individuals affected with UNC119-related conditions. Algorithms developed to predict the effect of missense changes on protein structure and function are either unavailable or do not agree on the potential impact of this missense change (SIFT: "Not Available"; PolyPhen-2: "Probably Damaging"; Align-GVGD: "Not Available"). In summary, the available evidence is currently insufficient to determine the role of this variant in disease. Therefore, it has been classified as a Variant of Uncertain Significance.